The following is an entry in ClinVar:

ClinVar aggregate classification (germline): Likely benign. Review status: criteria provided, single submitter (1 of 4 stars). 2 submissions from 2 submitters: Likely benign (1). 1 of the submissions does not count toward it. Last evaluated 2022-01-24.

Conditions:
LZTR1-related disorder. Also called: LZTR1-related disorders; LZTR1-related condition.
Cardiovascular phenotype. Identifiers: MedGen CN230736.
Hereditary cancer-predisposing syndrome. Also called: Neoplastic Syndromes, Hereditary; Tumor predisposition; Hereditary Cancer Syndrome; Hereditary neoplastic syndrome. Identifiers: Orphanet 140162, MedGen C0027672, MeSH D009386, MONDO:0015356.

Allele frequency attached by ClinVar (database versions not stated): gnomAD exomes below 0.00001.
gnomAD v4.1: 4 of 1,611,050 alleles (0.00025%); highest among the groups gnomAD compares: Admixed American, 0.0017%; no homozygotes.

Submissions (2):

Ambry Genetics
Classification: Likely benign for Cardiovascular phenotype; Hereditary cancer-predisposing syndrome. Last evaluated: 2022-01-24. Review status: criteria provided, single submitter. Criteria: Ambry Variant Classification Scheme 2023. Collection method: clinical testing. Allele origin: germline.

PreventionGenetics, part of Exact Sciences
Classification: Likely benign for LZTR1-related condition. Last evaluated: 2021-11-23. Review status: no assertion criteria provided. Collection method: clinical testing. Allele origin: germline. Not counted in ClinVar's aggregate classification.
Comment: This variant is classified as likely benign based on ACMG/AMP sequence variant interpretation guidelines (Richards et al. 2015 PMID: 25741868, with internal and published modifications).

NM_006767.4(LZTR1):c.1633C>T (p.Leu545=)

Gene: LZTR1 (leucine zipper like post translational regulator 1; plus strand). Cytogenetic location: 22q11.21.
Variant type: single nucleotide variant.
Coding change: c.1633C>T on transcript NM_006767.4 (MANE Select); coding-DNA position 1633, C replaced by T.
Protein change: p.Leu545=; no amino-acid change (leucine 545 retained).
Molecular consequence: synonymous variant.
Genome position (GRCh38, 1-based): chr22:20,994,575, C>T. VCF-style: chr22-20994575-C-T. GRCh37 (hg19) VCF-style: chr22-21348864-C-T.
Identifiers: ClinVar variation 1776876 (VCV001776876.4), dbSNP rs1184353835, ClinGen allele CA513699100.